The following is an entry in ClinVar:

NM_000535.7(PMS2):c.1129C>G (p.Leu377Val)

Gene: PMS2 (PMS1 homolog 2, mismatch repair system component; minus strand). Cytogenetic location: 7p22.1.
Variant type: single nucleotide variant.
Coding change: c.1129C>G on transcript NM_000535.7 (MANE Select); coding-DNA position 1129, C replaced by G.
Protein change: p.Leu377Val; replaces leucine 377 with valine.
Molecular consequence: missense variant. On other transcripts: non-coding transcript variant (1), intron variant (2).
Genome position (GRCh38, 1-based): chr7:5,989,815, G>C on the plus strand (C>G on the coding strand, the complement: PMS2 is on the minus strand). VCF-style: chr7-5989815-G-C. GRCh37 (hg19) VCF-style: chr7-6029446-G-C.
Other names: c.724C>G, p.Leu242Val (NM_001322003.2, NM_001322004.2, NM_001322005.2 and 1 more transcripts); c.811C>G, p.Leu271Val (NM_001322007.2, NM_001322008.2); c.196C>G, p.Leu66Val (NM_001322011.2, NM_001322012.2); c.556C>G, p.Leu186Val (NM_001322013.2); c.1129C>G, p.Leu377Val (NM_001322014.2); c.820C>G, p.Leu274Val (NM_001322015.2); c.583+2158C>G (NM_001322010.2); c.988+2158C>G (NM_001322006.2); short protein forms L242V, L377V, L186V, L274V, L66V, L271V.
Identifiers: ClinVar variation 658325 (VCV000658325.8), dbSNP rs1583334058, ClinGen allele CA366742747.
Genomic context (GRCh38, chr7:5,989,815, plus strand): 5'-TAGCTAAAAGCTTTAGAAGCTGTTTGTACACTGTATTTTTCTTACCTTCAACATCCAGCA[G>C]TGGCTGCTGACTGACATTTAGCTTGTTGACATCACTATCAAACATTCCTATCAAAGAGGT-3'
Protein context (NP_000526.2, residues 367-387): VNKLNVSQQP[Leu377Val]LDVEGNLIKM

ClinVar aggregate classification (germline): Uncertain significance (1 of 4 stars; one submission).

Conditions:
Hereditary nonpolyposis colorectal neoplasms. Identifiers: MedGen C0009405, MeSH D003123.

Allele frequency attached by ClinVar (database versions not stated): gnomAD exomes below 0.00001.
gnomAD v4.1: 2 of 1,612,688 alleles (0.00012%); highest among the groups gnomAD compares: Non-Finnish European, 0.000085%; no homozygotes.

Submission:

Labcorp Genetics (formerly Invitae), Labcorp
Classification: Uncertain significance for Hereditary nonpolyposis colorectal neoplasms. Last evaluated: 2018-08-23. Review status: criteria provided, single submitter. Criteria: Invitae Variant Classification Sherloc (09022015). Collection method: clinical testing. Allele origin: germline.
Comment: In summary, the available evidence is currently insufficient to determine the role of this variant in disease. Therefore, it has been classified as a Variant of Uncertain Significance. Algorithms developed to predict the effect of missense changes on protein structure and function (SIFT, PolyPhen-2, Align-GVGD) all suggest that this variant is likely to be tolerated, but these predictions have not been confirmed by published functional studies and their clinical significance is uncertain. This variant has not been reported in the literature in individuals with PMS2-related disease. This variant is not present in population databases (ExAC no frequency). This sequence change replaces leucine with valine at codon 377 of the PMS2 protein (p.Leu377Val). The leucine residue is moderately conserved and there is a small physicochemical difference between leucine and valine.